The following is an entry in ClinVar:

NM_182916.3(TRNT1):c.27C>T (p.His9=)

Gene: TRNT1 (tRNA nucleotidyl transferase 1; plus strand). Cytogenetic location: 3p26.2.
Variant type: single nucleotide variant.
Coding change: c.27C>T on transcript NM_182916.3 (MANE Select); coding-DNA position 27, C replaced by T.
Protein change: p.His9=; no amino-acid change (histidine 9 retained).
Molecular consequence: synonymous variant. On other transcripts: non-coding transcript variant (11).
Genome position (GRCh38, 1-based): chr3:3,129,067, C>T. VCF-style: chr3-3129067-C-T. GRCh37 (hg19) VCF-style: chr3-3170751-C-T.
Other names: c.27C>T, p.His9= (NM_001302946.2, NM_001367321.1, NM_001367322.1 and 1 more transcripts).
Identifiers: ClinVar variation 511192 (VCV000511192.9), dbSNP rs776254990, ClinGen allele CA2228491.

ClinVar aggregate classification (germline): Likely benign. Review status: criteria provided, multiple submitters, no conflicts (2 of 4 stars). 2 submissions from 2 submitters: Likely benign (2). Last evaluated 2024-02-11.

Conditions:
Congenital sideroblastic anemia-B-cell immunodeficiency-periodic fever-developmental delay syndrome. Also called: Sideroblastic anemia with B-cell immunodeficiency, periodic fevers, and developmental delay. Identifiers: Orphanet 369861, MedGen C4015172, MONDO:0014487, OMIM 616084.

Allele frequency attached by ClinVar (database versions not stated): gnomAD exomes below 0.00001 and 0.00001; ExAC 0.00001; gnomAD 0.00001.
gnomAD v4.1: 19 of 1,612,060 alleles (0.0012%); highest among the groups gnomAD compares: Admixed American, 0.0067%; no homozygotes.

Submissions (2):

Labcorp Genetics (formerly Invitae), Labcorp
Classification: Likely benign for Congenital sideroblastic anemia-B-cell immunodeficiency-periodic fever-developmental delay syndrome. Last evaluated: 2024-02-11. Review status: criteria provided, single submitter. Criteria: Invitae Variant Classification Sherloc (09022015). Collection method: clinical testing. Allele origin: germline.

GeneDx
Classification: Likely benign. Last evaluated: 2017-08-15. Review status: criteria provided, single submitter. Criteria: GeneDx Variant Classification (06012015). Collection method: clinical testing. Allele origin: germline. Affected: yes.
Comment: This variant is considered likely benign or benign based on one or more of the following criteria: it is a conservative change, it occurs at a poorly conserved position in the protein, it is predicted to be benign by multiple in silico algorithms, and/or has population frequency not consistent with disease.